The following is an entry in ClinVar:

ClinVar aggregate classification (germline): Uncertain significance. Review status: criteria provided, multiple submitters, no conflicts (2 of 4 stars). 2 submissions from 2 submitters: Uncertain significance (2). Last evaluated 2022-11-20.

Conditions:
Autosomal dominant hypocalcemia 1 (HYPOC1). Also called: HYPOCALCEMIA, FAMILIAL. Identifiers: MedGen C3715128, MONDO:0011013, OMIM 601198.
Familial hypocalciuric hypercalcemia (FHH). Also called: Familial benign hypercalcemia. Identifiers: Orphanet 405, MedGen C1809471, MONDO:0018458.
Nephrolithiasis/nephrocalcinosis. Identifiers: MedGen CN580796.

Allele frequency attached by ClinVar (database versions not stated): gnomAD exomes below 0.00001.
gnomAD v4.1: 1 of 1,613,396 alleles (0.000062%); highest among the groups gnomAD compares: Non-Finnish European, 0.000085%; no homozygotes.

Submissions (2):

Ambry Genetics
Classification: Uncertain significance for Nephrolithiasis/nephrocalcinosis. Last evaluated: 2022-11-20. Review status: criteria provided, single submitter. Criteria: Ambry Variant Classification Scheme 2023. Collection method: clinical testing. Allele origin: germline.
Comment: The p.M734L variant (also known as c.2200A>T), located in coding exon 6 of the CASR gene, results from an A to T substitution at nucleotide position 2200. The methionine at codon 734 is replaced by leucine, an amino acid with highly similar properties. This amino acid position is conserved. In addition, the in silico prediction for this alteration is inconclusive. Since supporting evidence is limited at this time, the clinical significance of this alteration remains unclear.

Labcorp Genetics (formerly Invitae), Labcorp
Classification: Uncertain significance for Familial hypocalciuric hypercalcemia; Autosomal dominant hypocalcemia 1. Last evaluated: 2019-04-09. Review status: criteria provided, single submitter. Criteria: Invitae Variant Classification Sherloc (09022015). Collection method: clinical testing. Allele origin: germline.
Comment: This sequence change replaces methionine with leucine at codon 734 of the CASR protein (p.Met734Leu). The methionine residue is moderately conserved and there is a small physicochemical difference between methionine and leucine. This variant is not present in population databases (ExAC no frequency). This variant has not been reported in the literature in individuals with CASR-related conditions. Algorithms developed to predict the effect of missense changes on protein structure and function (SIFT, PolyPhen-2, Align-GVGD) all suggest that this variant is likely to be tolerated, but these predictions have not been confirmed by published functional studies and their clinical significance is uncertain. In summary, the available evidence is currently insufficient to determine the role of this variant in disease. Therefore, it has been classified as a Variant of Uncertain Significance.

NM_000388.4(CASR):c.2200A>T (p.Met734Leu)

Gene: CASR (calcium sensing receptor; plus strand). Cytogenetic location: 3q21.1.
Variant type: single nucleotide variant.
Coding change: c.2200A>T on transcript NM_000388.4 (MANE Select); coding-DNA position 2200, A replaced by T.
Protein change: p.Met734Leu; replaces methionine 734 with leucine.
Molecular consequence: missense variant.
Genome position (GRCh38, 1-based): chr3:122,284,154, A>T. VCF-style: chr3-122284154-A-T. GRCh37 (hg19) VCF-style: chr3-122003001-A-T.
Other names: c.2230A>T, p.Met744Leu (NM_001178065.2); short protein forms M734L, M744L.
Identifiers: ClinVar variation 857055 (VCV000857055.11), dbSNP rs1286818613, ClinGen allele CA354159001.